The following is an entry in ClinVar:

ClinVar aggregate classification (germline): Uncertain significance (1 of 4 stars; one submission).

Conditions:
Arrhythmogenic right ventricular dysplasia 5. Also called: Arrhythmogenic Right Ventricular Dysplasia/Cardiomyopathy 5; ARRHYTHMOGENIC RIGHT VENTRICULAR DYSPLASIA, FAMILIAL, 5. Identifiers: MedGen C1858379, MONDO:0011459, OMIM 604400.

Submission:

All of Us Research Program, National Institutes of Health
Classification: Uncertain significance for Arrhythmogenic right ventricular dysplasia 5. Last evaluated: 2024-03-24. Review status: criteria provided, single submitter. Criteria: ACMG Guidelines, 2015. Collection method: clinical testing. Allele origin: germline. Inheritance: Autosomal dominant inheritance. Observed: 1 variant allele, 1 heterozygote.
Comment: This variant deletes 1 nucleotide in exon 12/12 of the TMEM43 gene, creating a frameshift and premature translation stop signal in the last exon. The mutant transcript is expected to escape nonsense-mediated decay and be expressed as a product containing altered C-terminal sequence. To our knowledge, this variant has not been reported in individuals affected with TMEM43-related disorders in the literature. This variant has not been identified in the general population by the Genome Aggregation Database (gnomAD). The available evidence is insufficient to determine the role of this variant in disease conclusively. Therefore, this variant is classified as a Variant of Uncertain Significance.

This study involves interpretation of variants in research participants for the purpose of population health screening. Participant phenotype was not available at the time of variant classification. Additional details can be found in publication PMID: 35346344, PMCID: PMC8962531

NM_024334.3(TMEM43):c.1109del (p.Phe370fs)

Gene: TMEM43 (transmembrane protein 43; plus strand). Cytogenetic location: 3p25.1.
Variant type: Deletion.
Coding change: c.1109del on transcript NM_024334.3 (MANE Select); coding-DNA position 1109, one base deleted (T; older notation c.1109delT).
Protein change: p.Phe370fs; shifts the reading frame from phenylalanine 370.
Molecular consequence: frameshift variant.
Genome position (GRCh38, 1-based): chr3:14,141,701, T deleted; the last of 2 consecutive T bases (chr3:14,141,700-14,141,701); deleting either gives the same sequence. VCF-style (leftmost placement, unchanged base first): chr3-14141699-CT-C. GRCh37 (hg19) VCF-style: chr3-14183199-CT-C.
Other names: c.1112del, p.Phe371fs (NM_001407274.1); c.1106del, p.Phe369fs (NM_001407275.1, NM_001407276.1); c.1103del, p.Phe368fs (NM_001407277.1); c.1094del, p.Phe365fs (NM_001407278.1); c.1034del, p.Phe345fs (NM_001407279.1); c.959del, p.Phe320fs (NM_001407280.1); short protein forms F320fs, F345fs, F365fs, F368fs, F369fs, F370fs, F371fs.
Identifiers: ClinVar variation 3386089 (VCV003386089.1).